The following is an entry in ClinVar:

NM_001385001.1(MCTP2):c.910A>C (p.Met304Leu)

Gene: MCTP2 (multiple C2 and transmembrane domain containing 2; plus strand). Cytogenetic location: 15q26.2.
Variant type: single nucleotide variant.
Coding change: c.910A>C on transcript NM_001385001.1 (MANE Select); coding-DNA position 910, A replaced by C.
Protein change: p.Met304Leu; replaces methionine 304 with leucine.
Molecular consequence: missense variant. On other transcripts: non-coding transcript variant (7).
Genome position (GRCh38, 1-based): chr15:94,340,865, A>C. VCF-style: chr15-94340865-A-C. GRCh37 (hg19) VCF-style: chr15-94884094-A-C.
Other names: c.910A>C, p.Met304Leu (NM_001159643.2, NM_001385002.1, NM_001385003.1 and 5 more transcripts); c.628A>C, p.Met210Leu (NM_001385007.1, NM_001385011.1); c.412A>C, p.Met138Leu (NM_001385009.1, NM_001385010.1); short protein forms M304L, M138L, M210L.
Identifiers: ClinVar variation 725527 (VCV000725527.9), dbSNP rs199933047, ClinGen allele CA7749730.
Genomic context (GRCh38, chr15:94,340,865, plus strand): 5'-GCTTGTAGAACAACTGAACATATTTTAAAACTGGAAGATCCAAACAGTTTAGAAGATGAC[A>C]TGGGAGTGATCGTGTTAAATTTGAACCTAGTGGTAAAACAGGGTGATTTCAAGAGACACG-3'
Protein context (NP_001371930.1, residues 294-314): LEDPNSLEDD[Met304Leu]GVIVLNLNLV

ClinVar aggregate classification (germline): Conflicting classifications of pathogenicity. Review status: criteria provided, conflicting classifications (1 of 4 stars). 3 submissions from 3 submitters: Uncertain significance (1); Likely benign (1). 1 of the submissions does not count toward it. Last evaluated 2022-02-03.

Conditions:
MCTP2-related disorder. Also called: MCTP2-related condition.
Inborn genetic diseases. Identifiers: MedGen C0950123, MeSH D030342.

Allele frequency attached by ClinVar (database versions not stated): ESP Exome Variant Server 0.00008; gnomAD 0.00018 and 0.00019; 1000 Genomes Project 0.00020; 1000 Genomes Project 30x 0.00031; TOPMed 0.00052.
gnomAD v4.1: 288 of 1,613,336 alleles (0.018%); highest among the groups gnomAD compares: Admixed American, 0.46%; 1 homozygote.

Submissions (3):

Ambry Genetics
Classification: Uncertain significance for Inborn genetic diseases. Last evaluated: 2022-02-03. Review status: criteria provided, single submitter. Criteria: Ambry Variant Classification Scheme 2023. Collection method: clinical testing. Allele origin: germline.

Labcorp Genetics (formerly Invitae), Labcorp
Classification: Likely benign. Last evaluated: 2019-12-31. Review status: criteria provided, single submitter. Criteria: Invitae Variant Classification Sherloc (09022015). Collection method: clinical testing. Allele origin: germline.

PreventionGenetics, part of Exact Sciences
Classification: Likely benign for MCTP2-related condition. Last evaluated: 2019-10-28. Review status: no assertion criteria provided. Collection method: clinical testing. Allele origin: germline. Not counted in ClinVar's aggregate classification.
Comment: This variant is classified as likely benign based on ACMG/AMP sequence variant interpretation guidelines (Richards et al. 2015 PMID: 25741868, with internal and published modifications).